The following is an entry in ClinVar:

ClinVar aggregate classification (germline): Pathogenic (1 of 4 stars; one submission).

Conditions:
Primary ciliary dyskinesia. Also called: Ciliary dyskinesia. Identifiers: Orphanet 244, MedGen C0008780, MONDO:0016575, HP:0012265.

Submission:

Labcorp Genetics (formerly Invitae), Labcorp
Classification: Pathogenic for Primary ciliary dyskinesia. Last evaluated: 2023-04-17. Review status: criteria provided, single submitter. Criteria: Invitae Variant Classification Sherloc (09022015). Collection method: clinical testing. Allele origin: germline.
Comment: This variant is not present in population databases (gnomAD no frequency). This variant has not been reported in the literature in individuals affected with DNAAF5-related conditions. For these reasons, this variant has been classified as Pathogenic. This sequence change creates a premature translational stop signal (p.His236Argfs*17) in the DNAAF5 gene. It is expected to result in an absent or disrupted protein product. Loss-of-function variants in DNAAF5 are known to be pathogenic (PMID: 24307375, 25232951).

Literature cited by the submitters: PubMed 24307375; PubMed 25232951.

NM_017802.4(DNAAF5):c.707_717del (p.His236fs)

Gene: DNAAF5 (dynein axonemal assembly factor 5; plus strand). Cytogenetic location: 7p22.3.
Variant type: Deletion.
Coding change: c.707_717del on transcript NM_017802.4 (MANE Select); coding-DNA positions 707 to 717, 11 bases deleted (ATTTTGGCAAC).
Protein change: p.His236fs; shifts the reading frame from histidine 236.
Molecular consequence: frameshift variant. On other transcripts: non-coding transcript variant (1).
Genome position (GRCh38, 1-based): chr7:729,774-729,784, ATTTTGGCAAC deleted; deleting any 11 consecutive bases within chr7:729,773-729,784 gives the same sequence; the c. name uses the placement nearest the transcript's 3' end. VCF-style (leftmost placement, unchanged base first): chr7-729772-CCATTTTGGCAA-C. GRCh37 (hg19) VCF-style: chr7-769409-CCATTTTGGCAA-C.
Other names: short protein forms H236fs.
Identifiers: ClinVar variation 2857008 (VCV002857008.3), dbSNP rs2484023860, ClinGen allele CA2739266222.